The following is an entry in ClinVar:

NM_001276270.2(MBD4):c.159G>T (p.Met53Ile)

Gene: MBD4 (methyl-CpG binding domain 4, DNA glycosylase; minus strand). Cytogenetic location: 3q21.3.
Variant type: single nucleotide variant.
Coding change: c.159G>T on transcript NM_001276270.2 (MANE Select); coding-DNA position 159, G replaced by T.
Protein change: p.Met53Ile; replaces methionine 53 with isoleucine.
Molecular consequence: missense variant.
Genome position (GRCh38, 1-based): chr3:129,437,896, C>A on the plus strand (G>T on the coding strand, the complement: MBD4 is on the minus strand). VCF-style: chr3-129437896-C-A. GRCh37 (hg19) VCF-style: chr3-129156739-C-A.
Other names: c.159G>T, p.Met53Ile (NM_001276271.2, NM_001276272.2, NM_001276273.2 and 1 more transcripts); short protein forms M53I.
Identifiers: ClinVar variation 4772712 (VCV004772712.1).

ClinVar aggregate classification (germline): Uncertain significance (1 of 4 stars; one submission).

gnomAD v4.1: 1 of 1,614,110 alleles (0.000062%); no homozygotes.

Submission:

Labcorp Genetics (formerly Invitae), Labcorp
Classification: Uncertain significance. Last evaluated: 2026-01-21. Review status: criteria provided, single submitter. Criteria: Invitae Variant Classification Sherloc (09022015). Collection method: clinical testing. Allele origin: germline.
Comment: This sequence change replaces methionine, which is neutral and non-polar, with isoleucine, which is neutral and non-polar, at codon 53 of the MBD4 protein (p.Met53Ile). This variant is not present in population databases (gnomAD no frequency). This variant has not been reported in the literature in individuals affected with MBD4-related conditions. An algorithm developed to predict the effect of missense changes on protein structure and function outputs the following: PolyPhen-2: "Benign". The isoleucine amino acid residue is found in multiple mammalian species, which suggests that this missense change does not adversely affect protein function. In summary, the available evidence is currently insufficient to determine the role of this variant in disease. Therefore, it has been classified as a Variant of Uncertain Significance.